The following is an entry in ClinVar:

NM_030665.4(RAI1):c.2350A>G (p.Thr784Ala)

Gene: RAI1 (retinoic acid induced 1; plus strand). Cytogenetic location: 17p11.2.
Variant type: single nucleotide variant.
Coding change: c.2350A>G on transcript NM_030665.4 (MANE Select); coding-DNA position 2350, A replaced by G.
Protein change: p.Thr784Ala; replaces threonine 784 with alanine.
Molecular consequence: missense variant.
Genome position (GRCh38, 1-based): chr17:17,795,298, A>G. VCF-style: chr17-17795298-A-G. GRCh37 (hg19) VCF-style: chr17-17698612-A-G.
Other names: short protein forms T784A.
Identifiers: ClinVar variation 4980839 (VCV004980839.1).

ClinVar aggregate classification (germline): Uncertain significance (1 of 4 stars; one submission).

Conditions:
RAI1-related disorder. Also called: RAI1-related condition.

gnomAD v4.1: 2 of 1,609,424 alleles (0.00012%); highest among the groups gnomAD compares: South Asian, 0.0022%; no homozygotes.

Submission:

PreventionGenetics, part of Exact Sciences
Classification: Uncertain significance for RAI1-related condition. Last evaluated: 2026-04-05. Review status: criteria provided, single submitter. Criteria: ACMG Guidelines, 2015. Collection method: clinical testing. Allele origin: germline.
Comment: The RAI1 c.2350A>G variant is predicted to result in the amino acid substitution p.Thr784Ala. To our knowledge, this variant has not been reported in the literature. This variant is reported in 0.0033% of alleles in individuals of South Asian descent in gnomAD. At this time, the clinical significance of this variant is uncertain due to the absence of conclusive functional and genetic evidence.